The following is an entry in ClinVar:

NM_001271675.2(ZC3H11C):c.2352C>A (p.Gly784=)

Genes: EYS (EGF-like photoreceptor maintenance factor; minus strand), ZC3H11C (zinc finger CCCH-type containing 11C; plus strand). Cytogenetic location: 6q12.
Variant type: single nucleotide variant.
Coding change: c.2352C>A on transcript NM_001271675.2 (MANE Select); coding-DNA position 2352, C replaced by A.
Protein change: p.Gly784=; no amino-acid change (glycine 784 retained).
Molecular consequence: synonymous variant. On other transcripts: intron variant (2).
Genome position (GRCh38, 1-based): chr6:65,304,873, C>A. VCF-style: chr6-65304873-C-A. GRCh37 (hg19) VCF-style: chr6-66014766-C-A.
Other names: c.1767-8754G>T (NM_001142800.2, NM_001292009.2).
Identifiers: ClinVar variation 2656685 (VCV002656685.24), dbSNP rs753571777, ClinGen allele CA3877595.
Genomic context (GRCh38, chr6:65,304,873, plus strand): 5'-AAAGCCCCCACTCTCTGTGGAGGATGATTTTGAGAAACTAACATGGGAGATTTCAGGAGG[C>A]AAATTGGAAGCTGAGATTGACCTGGATCCTGGGAAAGATGAAGATGACCTTCCGCTTGAG-3'
Protein context (NP_001258604.1, residues 774-794): FEKLTWEISG[Gly784=]KLEAEIDLDP

ClinVar aggregate classification (germline): Likely benign (1 of 4 stars; one submission).

Submission:

CeGaT Center for Human Genetics Tuebingen
Classification: Likely benign. Last evaluated: 2022-09-01. Review status: criteria provided, single submitter. Criteria: CeGaT Center For Human Genetics Tuebingen Variant Classification Criteria Version 2. Collection method: clinical testing. Allele origin: germline. Affected: yes. Observed: 1 variant allele.
Comment: LOC441155: BP4, BP7